The following is an entry in ClinVar:

NM_005334.3(HCFC1):c.4910C>T (p.Ala1637Val)

Gene: HCFC1 (host cell factor C1; minus strand). Cytogenetic location: Xq28.
Variant type: single nucleotide variant.
Coding change: c.4910C>T on transcript NM_005334.3 (MANE Select); coding-DNA position 4910, C replaced by T.
Protein change: p.Ala1637Val; replaces alanine 1637 with valine.
Molecular consequence: missense variant.
Genome position (GRCh38, 1-based): chrX:153,952,546, G>A on the plus strand (C>T on the coding strand, the complement: HCFC1 is on the minus strand). VCF-style: chrX-153952546-G-A. GRCh37 (hg19) VCF-style: chrX-153217997-G-A.
Other names: short protein forms A1637V.
Identifiers: ClinVar variation 423609 (VCV000423609.9), dbSNP rs1002620023, ClinGen allele CA16621241.

ClinVar aggregate classification (germline): Uncertain significance. Review status: criteria provided, multiple submitters, no conflicts (2 of 4 stars). 3 submissions from 3 submitters: Uncertain significance (3). Last evaluated 2025-12-30.

Conditions:
Methylmalonic acidemia with homocystinuria, type cblX (MAHCX). Also called: INTELLECTUAL DEVELOPMENTAL DISORDER, X-LINKED 3. Identifiers: Orphanet 369962, MedGen C0796208, MONDO:0010657, OMIM 309541.
Inborn genetic diseases. Identifiers: MedGen C0950123, MeSH D030342.

Allele frequency attached by ClinVar (database versions not stated): gnomAD 0.00002; TOPMed 0.00001.

Submissions (4):

Ambry Genetics
Classification: Uncertain significance for Inborn genetic diseases. Last evaluated: 2025-12-30. Review status: criteria provided, single submitter. Criteria: Ambry Variant Classification Scheme 2023. Collection method: clinical testing. Allele origin: germline.

Labcorp Genetics (formerly Invitae), Labcorp
Classification: Uncertain significance for Methylmalonic acidemia with homocystinuria, type cblX. Last evaluated: 2022-01-18. Review status: criteria provided, single submitter. Criteria: Invitae Variant Classification Sherloc (09022015). Collection method: clinical testing. Allele origin: germline.
Comment: In summary, the available evidence is currently insufficient to determine the role of this variant in disease. Therefore, it has been classified as a Variant of Uncertain Significance. Algorithms developed to predict the effect of sequence changes on RNA splicing suggest that this variant may create or strengthen a splice site. Algorithms developed to predict the effect of missense changes on protein structure and function are either unavailable or do not agree on the potential impact of this missense change (SIFT: "Deleterious"; PolyPhen-2: "Probably Damaging"; Align-GVGD: "Class C0"). ClinVar contains an entry for this variant (Variation ID: 423609). This variant has not been reported in the literature in individuals affected with HCFC1-related conditions. This variant is not present in population databases (gnomAD no frequency). This sequence change replaces alanine, which is neutral and non-polar, with valine, which is neutral and non-polar, at codon 1637 of the HCFC1 protein (p.Ala1637Val).

GeneDx
Classification: Uncertain significance. Last evaluated: 2017-02-22. Review status: criteria provided, single submitter. Criteria: GeneDx Variant Classification (06012015). Collection method: clinical testing. Allele origin: germline. Affected: yes.
Comment: The A1637V variant in the HCFC1 gene has not been reported previously as a pathogenic variant, nor as a benign variant, to our knowledge. This variant is not observed in large population cohorts (Lek et al., 2016; 1000 Genomes Consortium et al., 2015; Exome Variant Server). The A1637V variant is a conservative amino acid substitution, which is not likely to impact secondary protein structure as these residues share similar properties. However, this substitution occurs at a position that is conserved across species. In silico analysis is inconsistent in its predictions as to whether or not the variant is damaging to the protein structure/function. We interpret A1637V as a variant of uncertain significance.

Dr. Peter K. Rogan Lab, Western University
No classification provided (evidence only). Condition: Thyroid cancer, nonmedullary, 1. Review status: no classification provided. Collection method: in vitro. Allele origin: not applicable. Functional consequence: retained intron. Not counted in ClinVar's aggregate classification.